The following is an entry in ClinVar:

NM_022166.4(XYLT1):c.1952T>G (p.Leu651Trp)

Genes: XYLT1 (xylosyltransferase 1; minus strand), LOC102723692 (uncharacterized LOC102723692; plus strand). Cytogenetic location: 16p12.3.
Variant type: single nucleotide variant.
Coding change: c.1952T>G on transcript NM_022166.4 (MANE Select); coding-DNA position 1952, T replaced by G.
Protein change: p.Leu651Trp; replaces leucine 651 with tryptophan.
Molecular consequence: missense variant. On other transcripts: non-coding transcript variant (1).
Genome position (GRCh38, 1-based): chr16:17,134,548, A>C on the plus strand (T>G on the coding strand, the complement: XYLT1 is on the minus strand). VCF-style: chr16-17134548-A-C. GRCh37 (hg19) VCF-style: chr16-17228405-A-C.
Other names: short protein forms L651W.
Identifiers: ClinVar variation 1911724 (VCV001911724.5), dbSNP rs2506170606, ClinGen allele CA395219455.

ClinVar aggregate classification (germline): Uncertain significance (1 of 4 stars; one submission).

Conditions:
Desbuquois dysplasia 1 (DBQD1). Also called: MICROMELIC DWARFISM WITH VERTEBRAL AND METAPHYSEAL ABNORMALITIES AND ADVANCED CARPOTARSAL OSSIFICATION; DESBUQUOIS DYSPLASIA 1, KIM VARIANT. Identifiers: Orphanet 1425, MedGen C4012146, MONDO:0009629, OMIM 251450.

Allele frequency attached by ClinVar (database versions not stated): gnomAD exomes below 0.00001.
gnomAD v4.1: 2 of 1,614,150 alleles (0.00012%); highest among the groups gnomAD compares: Non-Finnish European, 0.00017%; no homozygotes.

Submission:

Labcorp Genetics (formerly Invitae), Labcorp
Classification: Uncertain significance for Desbuquois dysplasia 1. Last evaluated: 2022-03-18. Review status: criteria provided, single submitter. Criteria: Invitae Variant Classification Sherloc (09022015). Collection method: clinical testing. Allele origin: germline.
Comment: This sequence change replaces leucine, which is neutral and non-polar, with tryptophan, which is neutral and slightly polar, at codon 651 of the XYLT1 protein (p.Leu651Trp). This variant is not present in population databases (gnomAD no frequency). This variant has not been reported in the literature in individuals affected with XYLT1-related conditions. Algorithms developed to predict the effect of missense changes on protein structure and function are either unavailable or do not agree on the potential impact of this missense change (SIFT: "Deleterious"; PolyPhen-2: "Possibly Damaging"; Align-GVGD: "Class C0"). In summary, the available evidence is currently insufficient to determine the role of this variant in disease. Therefore, it has been classified as a Variant of Uncertain Significance.